The following is an entry in ClinVar:

ClinVar aggregate classification (germline): Uncertain significance (1 of 4 stars; one submission).

Allele frequency attached by ClinVar (database versions not stated): TOPMed 0.00002; gnomAD exomes below 0.00001 and 0.00001.
gnomAD v4.1: 13 of 1,593,880 alleles (0.00082%); highest among the groups gnomAD compares: East Asian, 0.009%; no homozygotes.

Submission:

Labcorp Genetics (formerly Invitae), Labcorp
Classification: Uncertain significance. Last evaluated: 2021-09-08. Review status: criteria provided, single submitter. Criteria: Invitae Variant Classification Sherloc (09022015). Collection method: clinical testing. Allele origin: germline.
Comment: In summary, the available evidence is currently insufficient to determine the role of this variant in disease. Therefore, it has been classified as a Variant of Uncertain Significance. Algorithms developed to predict the effect of sequence changes on RNA splicing suggest that this variant may create or strengthen a splice site. Algorithms developed to predict the effect of missense changes on protein structure and function are either unavailable or do not agree on the potential impact of this missense change (SIFT: "Deleterious"; PolyPhen-2: "Probably Damaging"; Align-GVGD: "Class C0"). This variant has not been reported in the literature in individuals affected with SPEG-related conditions. This variant is not present in population databases (ExAC no frequency). This sequence change replaces alanine with valine at codon 2694 of the SPEG protein (p.Ala2694Val). The alanine residue is highly conserved and there is a small physicochemical difference between alanine and valine.

NM_005876.5(SPEG):c.8081C>T (p.Ala2694Val)

Genes: ASIC4-AS1 (ASIC4 antisense RNA 1; minus strand), SPEG (striated muscle enriched protein kinase; plus strand). Cytogenetic location: 2q35.
Variant type: single nucleotide variant.
Coding change: c.8081C>T on transcript NM_005876.5 (MANE Select); coding-DNA position 8081, C replaced by T.
Protein change: p.Ala2694Val; replaces alanine 2694 with valine.
Molecular consequence: missense variant.
Genome position (GRCh38, 1-based): chr2:219,488,832, C>T. VCF-style: chr2-219488832-C-T. GRCh37 (hg19) VCF-style: chr2-220353554-C-T.
Other names: short protein forms A2694V.
Identifiers: ClinVar variation 1525250 (VCV001525250.4), dbSNP rs1359968361, ClinGen allele CA350708113.
Genomic context (GRCh38, chr2:219,488,832, plus strand): 5'-TGCCAGGAGTCCCAGGAAAGCTAGCTCCTCCAGAGGTACCCCAGACCTACCAGGACACGG[C>T]GCTGGTGCTGTGGAAGCCGGGAGACAGCCGGGCACCTTGCACGTATACGCTGGAGCGGCG-3'
Protein context (NP_005867.3, residues 2684-2704): PEVPQTYQDT[Ala2694Val]LVLWKPGDSR